The following is an entry in ClinVar:

NM_001458.5(FLNC):c.4072_4085del (p.Pro1358fs)

Gene: FLNC (filamin C; plus strand). Cytogenetic location: 7q32.1.
Variant type: Deletion.
Coding change: c.4072_4085del on transcript NM_001458.5 (MANE Select); coding-DNA positions 4072 to 4085, 14 bases deleted (CCAGGCCTGGAGGG).
Protein change: p.Pro1358fs; shifts the reading frame from proline 1358.
Molecular consequence: frameshift variant.
Genome position (GRCh38, 1-based): chr7:128,846,408-128,846,421, CCAGGCCTGGAGGG deleted; deleting any 14 consecutive bases within chr7:128,846,405-128,846,421 gives the same sequence; the c. name uses the placement nearest the transcript's 3' end. VCF-style (leftmost placement, unchanged base first): chr7-128846404-CGGGCCAGGCCTGGA-C. GRCh37 (hg19) VCF-style: chr7-128486458-CGGGCCAGGCCTGGA-C.
Other names: c.4072_4085del, p.Pro1358fs (NM_001127487.2); short protein forms P1358fs.
Identifiers: ClinVar variation 3757620 (VCV003757620.2).
Genomic context (GRCh38, chr7:128,846,404, plus strand): 5'-CAAGAGCCCCTTCCGAGTGGGCGTGACCGAGGGCTGTGATCCCACCCGCGTCCGAGCCTT[CGGGCCAGGCCTGGA>C]GGGTGGCTTGGTCAACAAGGCCAACCGATTCACTGTGGAGACCAGGTATCCTCCCCCTTT-3'

ClinVar aggregate classification (germline): Pathogenic (1 of 4 stars; one submission).

Conditions:
Distal myopathy with posterior leg and anterior hand involvement. Also called: WILLIAMS DISTAL MYOPATHY. Identifiers: Orphanet 63273, MedGen C3279722, MONDO:0013550, OMIM 614065.
Hypertrophic cardiomyopathy 26. Also called: Cardiomyopathy, familial hypertrophic, 26. Identifiers: Orphanet 75249, MedGen C4310749, MONDO:0014883, OMIM 617047.
Myofibrillar myopathy 5. Also called: Filaminopathy (type); FILAMINOPATHY, AUTOSOMAL DOMINANT. Identifiers: Orphanet 171445, MedGen C1836050, MONDO:0012289, OMIM 609524.

Submission:

Labcorp Genetics (formerly Invitae), Labcorp
Classification: Pathogenic for Distal myopathy with posterior leg and anterior hand involvement; Myofibrillar myopathy 5; Hypertrophic cardiomyopathy 26. Last evaluated: 2024-08-11. Review status: criteria provided, single submitter. Criteria: Invitae Variant Classification Sherloc (09022015). Collection method: clinical testing. Allele origin: germline.
Comment: This sequence change creates a premature translational stop signal (p.Pro1358Trpfs*42) in the FLNC gene. It is expected to result in an absent or disrupted protein product. Loss-of-function variants in FLNC are known to be pathogenic (PMID: 27908349). This variant is not present in population databases (gnomAD no frequency). This variant has not been reported in the literature in individuals affected with FLNC-related conditions. For these reasons, this variant has been classified as Pathogenic.

Literature cited by the submitters: PubMed 27908349.